The following is an entry in ClinVar:

NM_003896.4(ST3GAL5):c.509A>G (p.Lys170Arg)

Gene: ST3GAL5 (ST3 beta-galactoside alpha-2,3-sialyltransferase 5; minus strand). Cytogenetic location: 2p11.2.
Variant type: single nucleotide variant.
Coding change: c.509A>G on transcript NM_003896.4 (MANE Select); coding-DNA position 509, A replaced by G.
Protein change: p.Lys170Arg; replaces lysine 170 with arginine.
Molecular consequence: missense variant. On other transcripts: 5 prime UTR variant (1).
Genome position (GRCh38, 1-based): chr2:85,848,014, T>C on the plus strand (A>G on the coding strand, the complement: ST3GAL5 is on the minus strand). VCF-style: chr2-85848014-T-C. GRCh37 (hg19) VCF-style: chr2-86075137-T-C.
Other names: c.125A>G, p.Lys42Arg (NM_001354234.1, NM_001354248.1, NM_001354223.2 and 3 more transcripts); c.425A>G, p.Lys142Arg (NM_001354238.1, NM_001354227.2, NM_001354229.2); c.-396A>G (NM_001354247.1); c.509A>G, p.Lys170Arg (NM_001363847.1); c.440A>G, p.Lys147Arg (NM_001042437.2); short protein forms K142R, K170R, K42R, K147R.
Identifiers: ClinVar variation 1367988 (VCV001367988.8), dbSNP rs2103959368, ClinGen allele CA347532293.
Genomic context (GRCh38, chr2:85,848,014, plus strand): 5'-TTGGCTTTCAAGTGTTCAGGGAGGTCGTGCTCTGGCAAGAGTTCCAAGAGGGTCTGGACT[T>C]TACTGGAGAACTTCCGGAACCCAAAAGGAGGATCGTACTTGGACTCAGCTTCACTGTCTT-3'
Protein context (NP_003887.3, residues 160-180): PPFGFRKFSS[Lys170Arg]VQTLLELLPE

ClinVar aggregate classification (germline): Uncertain significance (1 of 4 stars; one submission).

Conditions:
GM3 synthase deficiency (SPDRS). Also called: AMISH INFANTILE EPILEPSY SYNDROME; SALT AND PEPPER MENTAL RETARDATION SYNDROME; SALT AND PEPPER DEVELOPMENTAL REGRESSION SYNDROME. Identifiers: Orphanet 171714, Orphanet 370933, MedGen C1836824, MONDO:0018274, OMIM 609056.

Submission:

Labcorp Genetics (formerly Invitae), Labcorp
Classification: Uncertain significance for GM3 synthase deficiency. Last evaluated: 2021-07-17. Review status: criteria provided, single submitter. Criteria: Invitae Variant Classification Sherloc (09022015). Collection method: clinical testing. Allele origin: germline.
Comment: In summary, the available evidence is currently insufficient to determine the role of this variant in disease. Therefore, it has been classified as a Variant of Uncertain Significance. Algorithms developed to predict the effect of missense changes on protein structure and function (SIFT, PolyPhen-2, Align-GVGD) all suggest that this variant is likely to be tolerated. This variant has not been reported in the literature in individuals affected with ST3GAL5-related conditions. This variant is not present in population databases (ExAC no frequency). This sequence change replaces lysine with arginine at codon 170 of the ST3GAL5 protein (p.Lys170Arg). The lysine residue is moderately conserved and there is a small physicochemical difference between lysine and arginine.